The following is an entry in ClinVar:

ClinVar aggregate classification (germline): Uncertain significance (1 of 4 stars; one submission).

Submission:

GeneDx
Classification: Uncertain significance. Last evaluated: 2026-04-08. Review status: criteria provided, single submitter. Criteria: GeneDx Variant Classification Process June 2021. Collection method: clinical testing. Allele origin: germline.
Comment: Not observed at significant frequency in large population cohorts (gnomAD); In silico analysis supports that this missense variant has a deleterious effect on protein structure/function; Has not been previously published as pathogenic or benign to our knowledge

NM_001369268.1(ACAN):c.2150A>T (p.Glu717Val)

Gene: ACAN (aggrecan; plus strand). Cytogenetic location: 15q26.1.
Variant type: single nucleotide variant.
Coding change: c.2150A>T on transcript NM_001369268.1 (MANE Select); coding-DNA position 2150, A replaced by T.
Protein change: p.Glu717Val; replaces glutamic acid 717 with valine.
Molecular consequence: missense variant.
Genome position (GRCh38, 1-based): chr15:88,851,917, A>T. VCF-style: chr15-88851917-A-T. GRCh37 (hg19) VCF-style: chr15-89395148-A-T.
Other names: c.2150A>T, p.Glu717Val (NM_001135.4, NM_001411096.1, NM_001411097.1 and 1 more transcripts); short protein forms E717V.
Identifiers: ClinVar variation 3900802 (VCV003900802.2).
Genomic context (GRCh38, chr15:88,851,917, plus strand): 5'-TGGAGGAGTGGATCGTGACCCAAGTGGTTCCTGGTGTGGCTGCTGTCCCCGTAGAAGAGG[A>T]GACAACTGCTGTACCCTCAGGGGAGACTACTGCCATCCTAGAGTTCACCACCGAGCCAGA-3'
Protein context (NP_001356197.1, residues 707-727): PGVAAVPVEE[Glu717Val]TTAVPSGETT